The following is an entry in ClinVar:

NM_000642.3(AGL):c.3866T>C (p.Leu1289Pro)

Gene: AGL (amylo-alpha-1,6-glucosidase and 4-alpha-glucanotransferase; plus strand). Cytogenetic location: 1p21.2.
Variant type: single nucleotide variant.
Coding change: c.3866T>C on transcript NM_000642.3 (MANE Select); coding-DNA position 3866, T replaced by C.
Protein change: p.Leu1289Pro; replaces leucine 1289 with proline.
Molecular consequence: missense variant.
Genome position (GRCh38, 1-based): chr1:99,912,434, T>C. VCF-style: chr1-99912434-T-C. GRCh37 (hg19) VCF-style: chr1-100377990-T-C.
Other names: c.3866T>C, p.Leu1289Pro (NM_000028.3, NM_000643.3, NM_000644.3 and 1 more transcripts); c.3818T>C, p.Leu1273Pro (NM_000646.3); c.3845T>C, p.Leu1282Pro (NM_001425326.1); c.3665T>C, p.Leu1222Pro (NM_001425327.1); c.3662T>C, p.Leu1221Pro (NM_001425328.1); c.3527T>C, p.Leu1176Pro (NM_001425329.1); c.3488T>C, p.Leu1163Pro (NM_001425332.1); short protein forms L1163P, L1221P, L1176P, L1273P, L1222P, L1282P, L1289P.
Identifiers: ClinVar variation 4781048 (VCV004781048.1).

ClinVar aggregate classification (germline): Uncertain significance (1 of 4 stars; one submission).

Conditions:
Glycogen storage disease type III (GSD3). Also called: FORBES DISEASE; Cori disease. Identifiers: Orphanet 366, MedGen C0017922, MONDO:0009291, OMIM 232400.

Submission:

Labcorp Genetics (formerly Invitae), Labcorp
Classification: Uncertain significance for Glycogen storage disease type III. Last evaluated: 2025-07-09. Review status: criteria provided, single submitter. Criteria: Invitae Variant Classification Sherloc (09022015). Collection method: clinical testing. Allele origin: germline.
Comment: This sequence change replaces leucine, which is neutral and non-polar, with proline, which is neutral and non-polar, at codon 1289 of the AGL protein (p.Leu1289Pro). This variant is not present in population databases (gnomAD no frequency). This missense change has been observed in individual(s) with clinical features of glycogen storage disease (internal data). In at least one individual the data is consistent with being in trans (on the opposite chromosome) from a pathogenic variant. Invitae Evidence Modeling of protein sequence and biophysical properties (such as structural, functional, and spatial information, amino acid conservation, physicochemical variation, residue mobility, and thermodynamic stability) indicates that this missense variant is expected to disrupt AGL protein function with a positive predictive value of 80%. In summary, the available evidence is currently insufficient to determine the role of this variant in disease. Therefore, it has been classified as a Variant of Uncertain Significance.